The following is an entry in ClinVar:

NM_000090.4(COL3A1):c.1200C>T (p.Pro400=)

Gene: COL3A1 (collagen type III alpha 1 chain; plus strand). Cytogenetic location: 2q32.2.
Variant type: single nucleotide variant.
Coding change: c.1200C>T on transcript NM_000090.4 (MANE Select); coding-DNA position 1200, C replaced by T.
Protein change: p.Pro400=; no amino-acid change (proline 400 retained).
Molecular consequence: synonymous variant.
Genome position (GRCh38, 1-based): chr2:188,994,239, C>T. VCF-style: chr2-188994239-C-T. GRCh37 (hg19) VCF-style: chr2-189858965-C-T.
Identifiers: ClinVar variation 923322 (VCV000923322.16), dbSNP rs557759394, ClinGen allele CA073986.
Genomic context (GRCh38, chr2:188,994,239, plus strand): 5'-ATTCATAAAAGAACATTCAAGTTCGGCTAATATAGTGTCTTTGGTTTGTTCTTAGGGTCC[C>T]GCTGGCATTCCTGGAGCTCCTGGACTGATGGGAGCCCGGGGTCCTCCAGGACCAGCCGGT-3'
Protein context (NP_000081.2, residues 390-410): GSPGGKGEMG[Pro400=]AGIPGAPGLM

ClinVar aggregate classification (germline): Likely benign. Review status: criteria provided, multiple submitters, no conflicts (2 of 4 stars). 6 submissions from 6 submitters: Likely benign (6). Last evaluated 2026-01-11.

Conditions:
Ehlers-Danlos syndrome, type 4 (EDSVASC). Also called: Ehlers-Danlos Syndrome Type IV; Ehlers-Danlos syndrome vascular type; Ehlers Danlos syndrome, ecchymotic type; Ehlers Danlos syndrome, arterial type; Ehlers Danlos syndrome, Sack-Barabas type. Identifiers: Orphanet 286, MedGen C0268338, MONDO:0017314, OMIM 130050.
Familial thoracic aortic aneurysm and aortic dissection (TAAD). Also called: Thoracic aortic aneurysms and dissections. Identifiers: Orphanet 91387, MedGen C4707243, MONDO:0019625.

Allele frequency attached by ClinVar (database versions not stated): gnomAD 0.00001 and 0.00003; gnomAD exomes 0.00001 and 0.00004; TOPMed 0.00002; ExAC 0.00004; 1000 Genomes Project 0.00040; 1000 Genomes Project 30x 0.00047.
gnomAD v4.1: 21 of 1,614,058 alleles (0.0013%); highest among the groups gnomAD compares: East Asian, 0.018%; no homozygotes.

Submissions (6):

Labcorp Genetics (formerly Invitae), Labcorp
Classification: Likely benign for Ehlers-Danlos syndrome, type 4. Last evaluated: 2026-01-11. Review status: criteria provided, single submitter. Criteria: Invitae Variant Classification Sherloc (09022015). Collection method: clinical testing. Allele origin: germline.

All of Us Research Program, National Institutes of Health
Classification: Likely benign for Ehlers-Danlos syndrome, type 4. Last evaluated: 2023-05-31. Review status: criteria provided, single submitter. Criteria: ACMG Guidelines, 2015. Collection method: clinical testing. Allele origin: germline. Inheritance: Autosomal dominant inheritance. Observed: 5 variant alleles, 5 heterozygotes.
Comment: This study involves interpretation of variants in research participants for the purpose of population health screening. Participant phenotype was not available at the time of variant classification. Additional details can be found in publication PMID: 35346344, PMCID: PMC8962531

Ambry Genetics
Classification: Likely benign for Familial thoracic aortic aneurysm and aortic dissection. Last evaluated: 2023-01-12. Review status: criteria provided, single submitter. Criteria: Ambry Variant Classification Scheme 2023. Collection method: clinical testing. Allele origin: germline.

Blueprint Genetics
Classification: Likely benign. Last evaluated: 2022-07-26. Review status: criteria provided, single submitter. Criteria: ACMG Guidelines, 2015. Collection method: clinical testing. Allele origin: germline.

Color Diagnostics, LLC DBA Color Health
Classification: Likely benign for Familial thoracic aortic aneurysm and aortic dissection. Last evaluated: 2019-10-22. Review status: criteria provided, single submitter. Criteria: ACMG Guidelines, 2015. Collection method: clinical testing. Allele origin: germline.

CHEO Genetics Diagnostic Laboratory, Children's Hospital of Eastern Ontario
Classification: Likely benign for Familial thoracic aortic aneurysm and aortic dissection. Last evaluated: 2019-08-07. Review status: criteria provided, single submitter. Criteria: ACMG Guidelines, 2015. Collection method: clinical testing. Allele origin: germline.